The following is an entry in ClinVar:

NM_022725.4(FANCF):c.388C>A (p.Gln130Lys)

Gene: FANCF (FA complementation group F; minus strand). Cytogenetic location: 11p14.3.
Variant type: single nucleotide variant.
Coding change: c.388C>A on transcript NM_022725.4 (MANE Select); coding-DNA position 388, C replaced by A.
Protein change: p.Gln130Lys; replaces glutamine 130 with lysine.
Molecular consequence: missense variant.
Genome position (GRCh38, 1-based): chr11:22,625,423, G>T on the plus strand (C>A on the coding strand, the complement: FANCF is on the minus strand). VCF-style: chr11-22625423-G-T. GRCh37 (hg19) VCF-style: chr11-22646969-G-T.
Other names: short protein forms Q130K.
Identifiers: ClinVar variation 2784988 (VCV002784988.3), dbSNP rs753458108, ClinGen allele CA5924348.

ClinVar aggregate classification (germline): Uncertain significance (1 of 4 stars; one submission).

Conditions:
Fanconi anemia (FA). Also called: Fanconi's anemia. Identifiers: Orphanet 84, MedGen C0015625, MeSH D005199, MONDO:0019391.

Allele frequency attached by ClinVar (database versions not stated): ExAC 0.00001; TOPMed 0.00001.

Submission:

Labcorp Genetics (formerly Invitae), Labcorp
Classification: Uncertain significance for Fanconi anemia. Last evaluated: 2023-12-28. Review status: criteria provided, single submitter. Criteria: Invitae Variant Classification Sherloc (09022015). Collection method: clinical testing. Allele origin: germline.
Comment: This sequence change replaces glutamine, which is neutral and polar, with lysine, which is basic and polar, at codon 130 of the FANCF protein (p.Gln130Lys). This variant is present in population databases (rs753458108, gnomAD 0.007%). This variant has not been reported in the literature in individuals affected with FANCF-related conditions. Advanced modeling of protein sequence and biophysical properties (such as structural, functional, and spatial information, amino acid conservation, physicochemical variation, residue mobility, and thermodynamic stability) performed at Invitae indicates that this missense variant is expected to disrupt FANCF protein function with a positive predictive value of 80%. In summary, the available evidence is currently insufficient to determine the role of this variant in disease. Therefore, it has been classified as a Variant of Uncertain Significance.